The following is an entry in ClinVar:

NM_001363118.2(SLC52A2):c.736G>C (p.Glu246Gln)

Gene: SLC52A2 (solute carrier family 52 member 2; plus strand). Cytogenetic location: 8q24.3.
Variant type: single nucleotide variant.
Coding change: c.736G>C on transcript NM_001363118.2 (MANE Select); coding-DNA position 736, G replaced by C.
Protein change: p.Glu246Gln; replaces glutamic acid 246 with glutamine.
Molecular consequence: missense variant. On other transcripts: non-coding transcript variant (1).
Genome position (GRCh38, 1-based): chr8:144,360,228, G>C. VCF-style: chr8-144360228-G-C. GRCh37 (hg19) VCF-style: chr8-145583888-G-C.
Other names: c.736G>C, p.Glu246Gln (NM_001253815.2, NM_001253816.2, NM_001363120.2 and 2 more transcripts); c.244G>C, p.Glu82Gln (NM_001363122.2); short protein forms E246Q, E82Q.
Identifiers: ClinVar variation 246565 (VCV000246565.7), dbSNP rs879254314, ClinGen allele CA10584289.

ClinVar aggregate classification (germline): Uncertain significance. Review status: criteria provided, multiple submitters, no conflicts (2 of 4 stars). 2 submissions from 2 submitters: Uncertain significance (2). Last evaluated 2020-09-15.

Conditions:
Brown-Vialetto-van Laere syndrome 2. Also called: SPINOCEREBELLAR ATAXIA WITH BLINDNESS AND DEAFNESS 2; Riboflavin transporter deficiency type 2. Identifiers: Orphanet 572543, Orphanet 97229, MedGen C3553538, MONDO:0013867, OMIM 614707.

Submissions (2):

Labcorp Genetics (formerly Invitae), Labcorp
Classification: Uncertain significance for Brown-Vialetto-van Laere syndrome 2. Last evaluated: 2020-09-15. Review status: criteria provided, single submitter. Criteria: Invitae Variant Classification Sherloc (09022015). Collection method: clinical testing. Allele origin: germline.
Comment: In summary, the available evidence is currently insufficient to determine the role of this variant in disease. Therefore, it has been classified as a Variant of Uncertain Significance. Advanced modeling of protein sequence and biophysical properties (such as structural, functional, and spatial information, amino acid conservation, physicochemical variation, residue mobility, and thermodynamic stability) performed at Invitae indicates that this missense variant is not expected to disrupt SLC52A2 protein function. This sequence change replaces glutamic acid with glutamine at codon 246 of the SLC52A2 protein (p.Glu246Gln). The glutamic acid residue is moderately conserved and there is a small physicochemical difference between glutamic acid and glutamine. This variant is not present in population databases (ExAC no frequency). This variant has not been reported in the literature in individuals with SLC52A2-related conditions. ClinVar contains an entry for this variant (Variation ID: 246565).

GeneDx
Classification: Uncertain significance. Last evaluated: 2016-04-29. Review status: criteria provided, single submitter. Criteria: GeneDx Variant Classification (06012015). Collection method: clinical testing. Allele origin: germline. Affected: yes.
Comment: The E246Q variant has not been published as a pathogenic variant, nor has it been reported as a benign variant to our knowledge. It was not observed in approximately 6,500 individuals of European and African American ancestry in the NHLBI Exome Sequencing Project, indicating it is not a common benign variant in these populations. The E246Q variant is a semi-conservative amino acid substitution, which may impact secondary protein structure as these residues differ in some properties. This substitution occurs at a position where amino acids with similar properties to Glutamic acid are tolerated across species. In silico analysis is inconsistent in its predictions as to whether or not the variant is damaging to the protein structure/function. Therefore, based on the currently available information, it is unclear whether this variant is a pathogenic variant or a rare benign variant.